The following is an entry in ClinVar:

NM_198252.3(GSN):c.1231C>T (p.Pro411Ser)

Gene: GSN (gelsolin; plus strand). Cytogenetic location: 9q33.2.
Variant type: single nucleotide variant.
Coding change: c.1231C>T on transcript NM_198252.3 (MANE Select); coding-DNA position 1231, C replaced by T.
Protein change: p.Pro411Ser; replaces proline 411 with serine.
Molecular consequence: missense variant.
Genome position (GRCh38, 1-based): chr9:121,321,307, C>T. VCF-style: chr9-121321307-C-T. GRCh37 (hg19) VCF-style: chr9-124083585-C-T.
Other names: c.1384C>T, p.Pro462Ser (NM_000177.5); c.1231C>T, p.Pro411Ser (NM_001127662.2, NM_001127664.2, NM_001127665.2 and 10 more transcripts); c.1339C>T, p.Pro447Ser (NM_001127663.2); c.1264C>T, p.Pro422Ser (NM_001127666.2, NM_001127667.2, NM_001353063.2 and 13 more transcripts); c.1282C>T, p.Pro428Ser (NM_001258029.2); c.1255C>T, p.Pro419Ser (NM_001258030.2); c.1303C>T, p.Pro435Ser (NM_001353076.2); c.577C>T, p.Pro193Ser (NM_001353078.2); and 1 more; short protein forms P419S, P422S, P447S, P462S, P193S, P428S, P411S, P435S.
Identifiers: ClinVar variation 1989732 (VCV001989732.5), dbSNP rs776618806, ClinGen allele CA5221196.
Genomic context (GRCh38, chr9:121,321,307, plus strand): 5'-ACTCCAGCTTTGCTCCTGCAGATCTGGAGAATCGAAGGTTCCAACAAGGTGCCCGTGGAC[C>T]CTGCCACATATGGACAGTTCTATGGAGGCGACAGCTACATCATTCTGTACAACTACCGCC-3'
Protein context (NP_937895.1, residues 401-421): IEGSNKVPVD[Pro411Ser]ATYGQFYGGD

ClinVar aggregate classification (germline): Conflicting classifications of pathogenicity. Review status: criteria provided, conflicting classifications (1 of 4 stars). 2 submissions from 2 submitters: Uncertain significance (1); Likely benign (1). Last evaluated 2024-08-05.

Conditions:
Inborn genetic diseases. Identifiers: MedGen C0950123, MeSH D030342.

Allele frequency attached by ClinVar (database versions not stated): TOPMed below 0.00001; gnomAD exomes 0.00001; ExAC 0.00002.
gnomAD v4.1: 20 of 1,613,898 alleles (0.0012%); highest among the groups gnomAD compares: South Asian, 0.018%; no homozygotes.

Submissions (2):

Ambry Genetics
Classification: Likely benign for Inborn genetic diseases. Last evaluated: 2024-08-05. Review status: criteria provided, single submitter. Criteria: Ambry Variant Classification Scheme 2023. Collection method: clinical testing. Allele origin: germline.

Labcorp Genetics (formerly Invitae), Labcorp
Classification: Uncertain significance. Last evaluated: 2022-07-17. Review status: criteria provided, single submitter. Criteria: Invitae Variant Classification Sherloc (09022015). Collection method: clinical testing. Allele origin: germline.
Comment: This sequence change replaces proline, which is neutral and non-polar, with serine, which is neutral and polar, at codon 462 of the GSN protein (p.Pro462Ser). This variant is present in population databases (rs776618806, gnomAD 0.04%). This variant has not been reported in the literature in individuals affected with GSN-related conditions. Algorithms developed to predict the effect of missense changes on protein structure and function (SIFT, PolyPhen-2, Align-GVGD) all suggest that this variant is likely to be tolerated. In summary, the available evidence is currently insufficient to determine the role of this variant in disease. Therefore, it has been classified as a Variant of Uncertain Significance.